The following is an entry in ClinVar:

NM_025152.3(NUBPL):c.*444C>T

Gene: NUBPL (NUBP iron-sulfur cluster assembly factor, mitochondrial; plus strand). Cytogenetic location: 14q12.
Variant type: single nucleotide variant.
Coding change: c.*444C>T on transcript NM_025152.3 (MANE Select); 444 bases downstream of the stop codon, C replaced by T.
Molecular consequence: 3 prime UTR variant. On other transcripts: non-coding transcript variant (1).
Genome position (GRCh38, 1-based): chr14:31,859,624, C>T. VCF-style: chr14-31859624-C-T. GRCh37 (hg19) VCF-style: chr14-32328830-C-T.
Other names: c.*444C>T (NM_001201573.2, NM_001201574.2).
Identifiers: ClinVar variation 313039 (VCV000313039.6), dbSNP rs10162515, ClinGen allele CA10640080.

ClinVar aggregate classification (germline): Benign. Review status: criteria provided, multiple submitters, no conflicts (2 of 4 stars). 2 submissions from 2 submitters: Benign (2). Last evaluated 2018-01-12.

Conditions:
Mitochondrial complex I deficiency, nuclear type 1. Also called: NADH-COENZYME Q REDUCTASE DEFICIENCY; MITOCHONDRIAL NADH DEHYDROGENASE COMPONENT OF COMPLEX I, DEFICIENCY OF. Identifiers: MedGen C6022305, MONDO:0100224, OMIM 252010.

Allele frequency attached by ClinVar (database versions not stated): gnomAD exomes 0.03927; gnomAD 0.19650 and 0.21109; 1000 Genomes Project 0.21565; TOPMed 0.22193; 1000 Genomes Project 30x 0.22798.
gnomAD v4.1: 33,649 of 250,350 alleles (13%); highest among the groups gnomAD compares: African/African-American, 65%; 9,668 homozygotes.

Submissions (2):

Illumina Laboratory Services, Illumina
Classification: Benign for Mitochondrial complex I deficiency, nuclear type 1. Last evaluated: 2018-01-12. Review status: criteria provided, single submitter. Criteria: ICSL Variant Classification Criteria 13 December 2019. Collection method: clinical testing. Allele origin: germline.
Comment: This variant was observed in the ICSL laboratory as part of a predisposition screen in an ostensibly healthy population. It had not been previously curated by ICSL or reported in the Human Gene Mutation Database (HGMD: prior to June 1st, 2018), and was therefore a candidate for classification through an automated scoring system. Utilizing variant allele frequency, disease prevalence and penetrance estimates, and inheritance mode, an automated score was calculated to assess if this variant is too frequent to cause the disease. Based on the score and internal cut-off values, a variant classified as benign is not then subjected to further curation. The score for this variant resulted in a classification of benign for this disease.

Breakthrough Genomics
Classification: Benign. Review status: criteria provided, single submitter. Criteria: ACMG Guidelines, 2015. Collection method: not provided. Allele origin: germline. Inheritance: Autosomal recessive inheritance. Affected: yes.